The following is an entry in ClinVar:

ClinVar aggregate classification (germline): Uncertain significance (1 of 4 stars; one submission).

Conditions:
Short-rib thoracic dysplasia 10 with or without polydactyly (SRTD10). Identifiers: Orphanet 474, MedGen C3810175, MONDO:0014284, OMIM 615630.
Retinitis pigmentosa 71 (RP71). Identifiers: Orphanet 791, MedGen C4225342, MONDO:0014618, OMIM 616394.

Submission:

Labcorp Genetics (formerly Invitae), Labcorp
Classification: Uncertain significance for Retinitis pigmentosa 71; Short-rib thoracic dysplasia 10 with or without polydactyly. Last evaluated: 2023-11-16. Review status: criteria provided, single submitter. Criteria: Invitae Variant Classification Sherloc (09022015). Collection method: clinical testing. Allele origin: germline.
Comment: This sequence change replaces glutamic acid, which is acidic and polar, with lysine, which is basic and polar, at codon 1373 of the IFT172 protein (p.Glu1373Lys). This variant is not present in population databases (gnomAD no frequency). This variant has not been reported in the literature in individuals affected with IFT172-related conditions. ClinVar contains an entry for this variant (Variation ID: 2124924). Advanced modeling of protein sequence and biophysical properties (such as structural, functional, and spatial information, amino acid conservation, physicochemical variation, residue mobility, and thermodynamic stability) performed at Invitae indicates that this missense variant is not expected to disrupt IFT172 protein function with a negative predictive value of 80%. In summary, the available evidence is currently insufficient to determine the role of this variant in disease. Therefore, it has been classified as a Variant of Uncertain Significance.

NM_015662.3(IFT172):c.4117G>A (p.Glu1373Lys)

Gene: IFT172 (intraflagellar transport 172; minus strand). Cytogenetic location: 2p23.3.
Variant type: single nucleotide variant.
Coding change: c.4117G>A on transcript NM_015662.3 (MANE Select); coding-DNA position 4117, G replaced by A.
Protein change: p.Glu1373Lys; replaces glutamic acid 1373 with lysine.
Molecular consequence: missense variant.
Genome position (GRCh38, 1-based): chr2:27,449,734, C>T on the plus strand (G>A on the coding strand, the complement: IFT172 is on the minus strand). VCF-style: chr2-27449734-C-T. GRCh37 (hg19) VCF-style: chr2-27672601-C-T.
Other names: c.4051G>A, p.Glu1351Lys (NM_001410739.1); short protein forms E1351K, E1373K.
Identifiers: ClinVar variation 2124924 (VCV002124924.4), dbSNP rs2465815814, ClinGen allele CA346422082.